The following is an entry in ClinVar:

NM_016938.5(EFEMP2):c.157C>T (p.Arg53Trp)

Gene: EFEMP2 (EGF-like fibulin extracellular matrix protein 2; minus strand). Cytogenetic location: 11q13.1.
Variant type: single nucleotide variant.
Coding change: c.157C>T on transcript NM_016938.5 (MANE Select); coding-DNA position 157, C replaced by T.
Protein change: p.Arg53Trp; replaces arginine 53 with tryptophan.
Molecular consequence: missense variant. On other transcripts: non-coding transcript variant (1).
Genome position (GRCh38, 1-based): chr11:65,871,973, G>A on the plus strand (C>T on the coding strand, the complement: EFEMP2 is on the minus strand). VCF-style: chr11-65871973-G-A. GRCh37 (hg19) VCF-style: chr11-65639444-G-A.
Other names: c.157C>T (NM_016938.4); short protein forms R53W.
Identifiers: ClinVar variation 1330731 (VCV001330731.8), dbSNP rs936904481, ClinGen allele CA381310783.

ClinVar aggregate classification (germline): Uncertain significance. Review status: criteria provided, multiple submitters, no conflicts (2 of 4 stars). 2 submissions from 2 submitters: Uncertain significance (2). Last evaluated 2025-02-27.

Conditions:
Cardiovascular phenotype. Identifiers: MedGen CN230736.
Cutis laxa, autosomal recessive, type 1B (ARCL1B). Also called: CUTIS LAXA, AUTOSOMAL RECESSIVE, TYPE IB; EFEMP2-Related Cutis Laxa. Identifiers: Orphanet 90349, MedGen C3280798, MONDO:0013754, OMIM 614437. Disease mechanism: loss of function.

gnomAD v4.1: 19 of 1,551,560 alleles (0.0012%); highest among the groups gnomAD compares: East Asian, 0.0073%; no homozygotes.

Submissions (2):

Ambry Genetics
Classification: Uncertain significance for Cardiovascular phenotype. Last evaluated: 2025-02-27. Review status: criteria provided, single submitter. Criteria: Ambry Variant Classification Scheme 2023. Collection method: clinical testing. Allele origin: germline.
Comment: The p.R53W variant (also known as c.157C>T), located in coding exon 2 of the EFEMP2 gene, results from a C to T substitution at nucleotide position 157. The arginine at codon 53 is replaced by tryptophan, an amino acid with dissimilar properties. This amino acid position is conserved. In addition, the in silico prediction for this alteration is inconclusive. Based on the available evidence, the clinical significance of this variant remains unclear.

ARUP Laboratories, Molecular Genetics and Genomics, ARUP Laboratories
Classification: Uncertain significance for Cutis laxa, autosomal recessive, type 1B. Last evaluated: 2021-07-21. Review status: criteria provided, single submitter. Criteria: ARUP Molecular Germline Variant Investigation Process 2021. Collection method: clinical testing. Allele origin: germline.
Comment: The EFEMP2 c.157C>T; p.Arg53Trp variant (rs936904481), to our knowledge, is not reported in the medical literature or gene specific databases. This variant is also absent from the Genome Aggregation Database, indicating it is not a common polymorphism. The arginine at codon 53 is highly conserved, and computational analyses are uncertain whether this variant is neutral or deleterious (REVEL: 0.54). Due to limited information, the clinical significance of the p.Arg53Trp variant is uncertain at this time.